The following is an entry in ClinVar:

NM_001384140.1(PCDH15):c.1977_1978del (p.Arg659fs)

Gene: PCDH15 (protocadherin related 15; minus strand). Cytogenetic location: 10q21.1.
Variant type: Microsatellite.
Coding change: c.1977_1978del on transcript NM_001384140.1 (MANE Select); coding-DNA positions 1977 to 1978, 2 bases deleted (AG; older notation c.1977_1978delAG).
Protein change: p.Arg659fs; shifts the reading frame from arginine 659.
Molecular consequence: frameshift variant. On other transcripts: intron variant (1).
Genome position (GRCh38, 1-based): chr10:54,090,003-54,090,004, CT deleted on the plus strand (AG on the coding strand, the reverse complement: PCDH15 is on the minus strand); deleting any 2 consecutive bases within chr10:54,090,003-54,090,008 gives the same sequence; the c. name uses the placement nearest the transcript's 3' end. VCF-style (leftmost placement, unchanged base first): chr10-54090002-ACT-A. GRCh37 (hg19) VCF-style: chr10-55849762-ACT-A.
Other names: c.1992_1993del, p.Arg664fs (NM_001142763.2, NM_001142771.2); c.1977_1978del, p.Arg659fs (NM_001142764.2, NM_001142766.2, NM_001142770.3 and 5 more transcripts); c.1866_1867del, p.Arg622fs (NM_001142767.2); c.1911_1912del, p.Arg637fs (NM_001142768.2, NM_001142773.2, NM_001354404.2); c.2009_2010AG[2], p.Arg671Serfs (NM_001142769.4); c.1998_1999del, p.Arg666fs (NM_001354411.2); c.1785-10584AG[2] (NM_001142765.2); c.1977_1978del (NM_033056.3); short protein forms R622fs, R637fs, R659fs, R664fs, R666fs, R671fs.
Identifiers: ClinVar variation 1071287 (VCV001071287.9), dbSNP rs2136049616, ClinGen allele CA2580615479.
Genomic context (GRCh38, chr10:54,090,002, plus strand): 5'-TGCTGTACATTTTTTTAAAGTAGGAAATCATTTTTAACTTACGTTTCTGAAAGATTAAAA[ACT>A]CTCTGAGGATCTCCATTCTCAATGGCATATGTTATTGAGTCTCCCTCTCGATCAGTTGCC-3'

ClinVar aggregate classification (germline): Pathogenic/Likely pathogenic. Review status: criteria provided, multiple submitters, no conflicts (2 of 4 stars). 3 submissions from 3 submitters: Pathogenic (1); Likely pathogenic (2). Last evaluated 2024-02-16.

Conditions:
Autosomal recessive nonsyndromic hearing loss 23. Identifiers: Orphanet 90636, MedGen C1836027, MONDO:0012293, OMIM 609533.
Usher syndrome type 1D (USH1D). Also called: USHER SYNDROME, TYPE ID. Identifiers: Orphanet 231169, Orphanet 886, MedGen C1832845, MONDO:0010984, OMIM 601067.
Usher syndrome type 1F (USH1F). Also called: USHER SYNDROME, TYPE IF. Identifiers: Orphanet 231169, Orphanet 886, MedGen C1865885, MONDO:0011186, OMIM 602083.

Submissions (3):

Fulgent Genetics
Classification: Likely pathogenic for Usher syndrome type 1D; Usher syndrome type 1F; Autosomal recessive nonsyndromic hearing loss 23. Last evaluated: 2024-02-16. Review status: criteria provided, single submitter. Criteria: ACMG Guidelines, 2015. Collection method: clinical testing. Allele origin: germline.

Baylor Genetics
Classification: Likely pathogenic for Autosomal recessive nonsyndromic hearing loss 23. Last evaluated: 2023-03-05. Review status: criteria provided, single submitter. Criteria: ACMG Guidelines, 2015. Collection method: clinical testing. Allele origin: unknown.

Labcorp Genetics (formerly Invitae), Labcorp
Classification: Pathogenic. Last evaluated: 2022-04-14. Review status: criteria provided, single submitter. Criteria: Invitae Variant Classification Sherloc (09022015). Collection method: clinical testing. Allele origin: germline.
Comment: For these reasons, this variant has been classified as Pathogenic. This variant has not been reported in the literature in individuals affected with PCDH15-related conditions. This variant is not present in population databases (gnomAD no frequency). This sequence change creates a premature translational stop signal (p.Arg659Serfs*3) in the PCDH15 gene. It is expected to result in an absent or disrupted protein product. Loss-of-function variants in PCDH15 are known to be pathogenic (PMID: 11398101, 11487575, 14570705).

Literature cited by the submitters: PubMed 11398101 (cited by Labcorp Genetics (formerly Invitae), Labcorp); PubMed 11487575 (cited by Labcorp Genetics (formerly Invitae), Labcorp); PubMed 14570705 (cited by Labcorp Genetics (formerly Invitae), Labcorp).